The following is an entry in ClinVar:

ClinVar aggregate classification (germline): Pathogenic (1 of 4 stars; one submission).

Submission:

GeneDx
Classification: Pathogenic. Last evaluated: 2026-02-18. Review status: criteria provided, single submitter. Criteria: GeneDx Variant Classification Process June 2021. Collection method: clinical testing. Allele origin: germline.
Comment: Reported in a proband in published literature with Diamond-Blackfan anemia (PMID: 27329125); Canonical splice site variant predicted to result in a null allele in a gene for which loss of function is a known mechanism of disease; Not observed at significant frequency in large population cohorts (gnomAD); This variant is associated with the following publications: (PMID: 17475909, 27329125)

NM_001022.4(RPS19):c.1-2A>G

Genes: RPS19 (ribosomal protein S19; plus strand), RPS19-CD79A (RPS19-CD79A readthrough; plus strand). Cytogenetic location: 19q13.2.
Variant type: single nucleotide variant.
Coding change: c.1-2A>G on transcript NM_001022.4 (MANE Select); the canonical splice acceptor site of the intron before coding-DNA position 1, A replaced by G.
Molecular consequence: splice acceptor variant.
Genome position (GRCh38, 1-based): chr19:41,860,773, A>G. VCF-style: chr19-41860773-A-G. GRCh37 (hg19) VCF-style: chr19-42364843-A-G.
Other names: c.1-2A>G (NM_001321484.2, NM_001321485.2, NM_001321483.2).
Identifiers: ClinVar variation 4887864 (VCV004887864.1).